The following is an entry in ClinVar:

NM_001365276.2(TNXB):c.8510C>T (p.Thr2837Ile)

Gene: TNXB (tenascin XB; minus strand). Cytogenetic location: 6p21.33.
Variant type: single nucleotide variant.
Coding change: c.8510C>T on transcript NM_001365276.2 (MANE Select); coding-DNA position 8510, C replaced by T.
Protein change: p.Thr2837Ile; replaces threonine 2837 with isoleucine.
Molecular consequence: missense variant.
Genome position (GRCh38, 1-based): chr6:32,053,669, G>A on the plus strand (C>T on the coding strand, the complement: TNXB is on the minus strand). VCF-style: chr6-32053669-G-A. GRCh37 (hg19) VCF-style: chr6-32021446-G-A.
Other names: c.8504C>T, p.Thr2835Ile (NM_019105.8); c.8504C>T (NM_019105.6); short protein forms T2835I, T2837I.
Identifiers: ClinVar variation 2673051 (VCV002673051.24), dbSNP rs750312500, ClinGen allele CA3733813.

ClinVar aggregate classification (germline): Uncertain significance. Review status: criteria provided, multiple submitters, no conflicts (2 of 4 stars). 2 submissions from 2 submitters: Uncertain significance (2). Last evaluated 2023-11-01.

Conditions:
Cardiovascular phenotype. Identifiers: MedGen CN230736.

Allele frequency attached by ClinVar (database versions not stated): ExAC 0.00001; gnomAD exomes 0.00001; gnomAD 0.00002.

Submissions (2):

Ambry Genetics
Classification: Uncertain significance for Cardiovascular phenotype. Last evaluated: 2023-11-01. Review status: criteria provided, single submitter. Criteria: Ambry Variant Classification Scheme 2023. Collection method: clinical testing. Allele origin: germline.
Comment: The p.T2835I variant (also known as c.8504C>T), located in coding exon 24 of the TNXB gene, results from a C to T substitution at nucleotide position 8504. The threonine at codon 2835 is replaced by isoleucine, an amino acid with similar properties. This amino acid position is conserved. In addition, this alteration is predicted to be tolerated by in silico analysis. Since supporting evidence is limited at this time, the clinical significance of this alteration remains unclear.

CeGaT Center for Human Genetics Tuebingen
Classification: Uncertain significance. Last evaluated: 2023-11-01. Review status: criteria provided, single submitter. Criteria: CeGaT Center For Human Genetics Tuebingen Variant Classification Criteria Version 2. Collection method: clinical testing. Allele origin: germline. Affected: yes. Observed: 1 variant allele.
Comment: TNXB: PM2, BP4